The following is an entry in ClinVar:

NM_032861.4(SERAC1):c.940G>T (p.Val314Leu)

Gene: SERAC1 (serine active site containing 1; minus strand). Cytogenetic location: 6q25.3.
Variant type: single nucleotide variant.
Coding change: c.940G>T on transcript NM_032861.4 (MANE Select); coding-DNA position 940, G replaced by T.
Protein change: p.Val314Leu; replaces valine 314 with leucine.
Molecular consequence: missense variant. On other transcripts: non-coding transcript variant (1).
Genome position (GRCh38, 1-based): chr6:158,128,183, C>A on the plus strand (G>T on the coding strand, the complement: SERAC1 is on the minus strand). VCF-style: chr6-158128183-C-A. GRCh37 (hg19) VCF-style: chr6-158549215-C-A.
Other names: short protein forms V314L.
Identifiers: ClinVar variation 1942950 (VCV001942950.5), dbSNP rs767469564, ClinGen allele CA4071233.
Genomic context (GRCh38, chr6:158,128,183, plus strand): 5'-AAGAATGAAGATGTTCATTCAAAGCCATATTTCCAATGACACGCATTATATTTCTCTGTA[C>A]TTTAGGGCAGTCCTTGTGAAGTCGGTACAGCCTCTGAAGTAGCTGCAGGCCTCCATTTGC-3'
Protein context (NP_116250.3, residues 304-324): LYRLHKDCPK[Val314Leu]QRNIMRVIGN

ClinVar aggregate classification (germline): Uncertain significance (1 of 4 stars; one submission).

Conditions:
3-methylglutaconic aciduria with deafness, encephalopathy, and Leigh-like syndrome (MEGDEL). Also called: MEGDEL syndrome; 3-METHYLGLUTACONIC ACIDURIA, TYPE VI; SERAC1 Deficiency. Identifiers: Orphanet 352328, MedGen C4040739, MONDO:0013875, OMIM 614739.

Allele frequency attached by ClinVar (database versions not stated): gnomAD exomes 0.00001; ExAC 0.00002; TOPMed below 0.00001.

Submission:

Labcorp Genetics (formerly Invitae), Labcorp
Classification: Uncertain significance for 3-methylglutaconic aciduria with deafness, encephalopathy, and Leigh-like syndrome. Last evaluated: 2022-07-14. Review status: criteria provided, single submitter. Criteria: Invitae Variant Classification Sherloc (09022015). Collection method: clinical testing. Allele origin: germline.
Comment: In summary, the available evidence is currently insufficient to determine the role of this variant in disease. Therefore, it has been classified as a Variant of Uncertain Significance. Algorithms developed to predict the effect of missense changes on protein structure and function (SIFT, PolyPhen-2, Align-GVGD) all suggest that this variant is likely to be tolerated. This variant has not been reported in the literature in individuals affected with SERAC1-related conditions. This variant is present in population databases (rs767469564, gnomAD 0.01%). This sequence change replaces valine, which is neutral and non-polar, with leucine, which is neutral and non-polar, at codon 314 of the SERAC1 protein (p.Val314Leu).